The following is an entry in ClinVar:

NM_018979.4(WNK1):c.5420A>C (p.Glu1807Ala)

Gene: WNK1 (WNK lysine deficient protein kinase 1; plus strand). Cytogenetic location: 12p13.33.
Variant type: single nucleotide variant.
Coding change: c.5420A>C on transcript NM_018979.4 (MANE Select); coding-DNA position 5420, A replaced by C.
Protein change: p.Glu1807Ala; replaces glutamic acid 1807 with alanine.
Molecular consequence: missense variant.
Genome position (GRCh38, 1-based): chr12:889,195, A>C. VCF-style: chr12-889195-A-C. GRCh37 (hg19) VCF-style: chr12-998361-A-C.
Other names: c.6176A>C, p.Glu2059Ala (NM_213655.5); c.6200A>C, p.Glu2067Ala (NM_001184985.2); c.4679A>C, p.Glu1560Ala (NM_014823.3); short protein forms E1807A, E2059A, E1560A, E2067A.
Identifiers: ClinVar variation 4789468 (VCV004789468.1).

ClinVar aggregate classification (germline): Uncertain significance (1 of 4 stars; one submission).

Conditions:
Neuropathy, hereditary sensory and autonomic, type 2A (HSAN2A). Also called: WNK1-Related HSAN2 (HSAN2A); ACROOSTEOLYSIS, GIACCAI TYPE; ACROOSTEOLYSIS, NEUROGENIC; MORVAN DISEASE; NEUROPATHY, CONGENITAL SENSORY; NEUROPATHY, HEREDITARY SENSORY RADICULAR, AUTOSOMAL RECESSIVE. Identifiers: Orphanet 970, MedGen C2752089, MONDO:0024309, OMIM 201300.
Pseudohypoaldosteronism type 2C (PHA2C). Also called: Pseudohypoaldosteronism Type IIC. Identifiers: Orphanet 757, Orphanet 88940, MedGen C1840391, MONDO:0013778, OMIM 614492.

Submission:

Labcorp Genetics (formerly Invitae), Labcorp
Classification: Uncertain significance for Neuropathy, hereditary sensory and autonomic, type 2A; Pseudohypoaldosteronism type 2C. Last evaluated: 2025-03-12. Review status: criteria provided, single submitter. Criteria: Invitae Variant Classification Sherloc (09022015). Collection method: clinical testing. Allele origin: germline.
Comment: This sequence change replaces glutamic acid, which is acidic and polar, with alanine, which is neutral and non-polar, at codon 2059 of the WNK1 protein (p.Glu2059Ala). This variant is not present in population databases (gnomAD no frequency). This variant has not been reported in the literature in individuals affected with WNK1-related conditions. Invitae Evidence Modeling of protein sequence and biophysical properties (such as structural, functional, and spatial information, amino acid conservation, physicochemical variation, residue mobility, and thermodynamic stability) indicates that this missense variant is not expected to disrupt WNK1 protein function with a negative predictive value of 95%. In summary, the available evidence is currently insufficient to determine the role of this variant in disease. Therefore, it has been classified as a Variant of Uncertain Significance.